The following is an entry in ClinVar:

ClinVar aggregate classification (germline): Uncertain significance (1 of 4 stars; one submission).

Submission:

GeneDx
Classification: Uncertain significance. Last evaluated: 2023-11-15. Review status: criteria provided, single submitter. Criteria: GeneDx Variant Classification Process June 2021. Collection method: clinical testing. Allele origin: germline. Affected: yes.
Comment: Not observed at significant frequency in large population cohorts (gnomAD); In silico analysis supports that this missense variant has a deleterious effect on protein structure/function; Has not been previously published as pathogenic or benign to our knowledge; In silico analysis is inconclusive as to whether the variant alters gene splicing. In the absence of RNA/functional studies, the actual effect of this sequence change is unknown.

NM_001374828.1(ARID1B):c.5319G>C (p.Glu1773Asp)

Gene: ARID1B (AT-rich interaction domain 1B; plus strand). Cytogenetic location: 6q25.3.
Variant type: single nucleotide variant.
Coding change: c.5319G>C on transcript NM_001374828.1 (MANE Select); coding-DNA position 5319, G replaced by C.
Protein change: p.Glu1773Asp; replaces glutamic acid 1773 with aspartic acid.
Molecular consequence: missense variant.
Genome position (GRCh38, 1-based): chr6:157,203,921, G>C. VCF-style: chr6-157203921-G-C. GRCh37 (hg19) VCF-style: chr6-157525055-G-C.
Other names: c.2820G>C, p.Glu940Asp (NM_001363725.2); c.5199G>C, p.Glu1733Asp (NM_001371656.1, NM_001374820.1); c.5160G>C, p.Glu1720Asp (NM_017519.3); c.4950G>C (NM_020732.3); short protein forms E1720D, E1733D, E1773D, E940D.
Identifiers: ClinVar variation 3364515 (VCV003364515.1).